The following is an entry in ClinVar:

ClinVar aggregate classification (germline): Uncertain significance (1 of 4 stars; one submission).

Submission:

CeGaT Center for Human Genetics Tuebingen
Classification: Uncertain significance. Last evaluated: 2024-10-01. Review status: criteria provided, single submitter. Criteria: CeGaT Center For Human Genetics Tuebingen Variant Classification Criteria Version 2. Collection method: clinical testing. Allele origin: germline. Affected: yes. Observed: 1 variant allele.
Comment: DCTN1: PM2, PP3

NM_004082.5(DCTN1):c.2879A>T (p.Lys960Met)

Gene: DCTN1 (dynactin subunit 1; minus strand). Cytogenetic location: 2p13.1.
Variant type: single nucleotide variant.
Coding change: c.2879A>T on transcript NM_004082.5 (MANE Select); coding-DNA position 2879, A replaced by T.
Protein change: p.Lys960Met; replaces lysine 960 with methionine.
Molecular consequence: missense variant. On other transcripts: non-coding transcript variant (1).
Genome position (GRCh38, 1-based): chr2:74,365,900, T>A on the plus strand (A>T on the coding strand, the complement: DCTN1 is on the minus strand). VCF-style: chr2-74365900-T-A. GRCh37 (hg19) VCF-style: chr2-74593027-T-A.
Other names: c.2819A>T, p.Lys940Met (NM_001135040.3); c.2477A>T, p.Lys826Met (NM_001135041.3, NM_023019.4); c.2768A>T, p.Lys923Met (NM_001190836.2); c.2858A>T, p.Lys953Met (NM_001190837.2); c.2828A>T, p.Lys943Met (NM_001378991.1); c.2810A>T, p.Lys937Met (NM_001378992.1); short protein forms K826M, K923M, K937M, K940M, K943M, K953M, K960M.
Identifiers: ClinVar variation 3389761 (VCV003389761.14).